The following is an entry in ClinVar:

NM_006012.4(CLPP):c.382G>A (p.Ala128Thr)

Gene: CLPP (caseinolytic mitochondrial matrix peptidase proteolytic subunit; plus strand). Cytogenetic location: 19p13.3.
Variant type: single nucleotide variant.
Coding change: c.382G>A on transcript NM_006012.4 (MANE Select); coding-DNA position 382, G replaced by A.
Protein change: p.Ala128Thr; replaces alanine 128 with threonine.
Molecular consequence: missense variant.
Genome position (GRCh38, 1-based): chr19:6,364,466, G>A. VCF-style: chr19-6364466-G-A. GRCh37 (hg19) VCF-style: chr19-6364477-G-A.
Other names: c.382G>A (NM_006012.2); short protein forms A128T.
Identifiers: ClinVar variation 1352017 (VCV001352017.7), dbSNP rs746504569, ClinGen allele CA9122910.

ClinVar aggregate classification (germline): Uncertain significance. Review status: criteria provided, multiple submitters, no conflicts (2 of 4 stars). 2 submissions from 2 submitters: Uncertain significance (2). Last evaluated 2023-12-19.

Conditions:
Inborn genetic diseases. Identifiers: MedGen C0950123, MeSH D030342.

Allele frequency attached by ClinVar (database versions not stated): gnomAD exomes 0.00002 and 0.00003; gnomAD 0.00003 and 0.00004; ExAC 0.00004.

Submissions (2):

Ambry Genetics
Classification: Uncertain significance for Inborn genetic diseases. Last evaluated: 2023-12-19. Review status: criteria provided, single submitter. Criteria: Ambry Variant Classification Scheme 2023. Collection method: clinical testing. Allele origin: germline.

Labcorp Genetics (formerly Invitae), Labcorp
Classification: Uncertain significance. Last evaluated: 2022-10-25. Review status: criteria provided, single submitter. Criteria: Invitae Variant Classification Sherloc (09022015). Collection method: clinical testing. Allele origin: germline.
Comment: The frequency data for this variant in the population databases is considered unreliable, as metrics indicate poor data quality at this position in the gnomAD database. In summary, the available evidence is currently insufficient to determine the role of this variant in disease. Therefore, it has been classified as a Variant of Uncertain Significance. Advanced modeling of protein sequence and biophysical properties (such as structural, functional, and spatial information, amino acid conservation, physicochemical variation, residue mobility, and thermodynamic stability) performed at Invitae indicates that this missense variant is expected to disrupt CLPP protein function. ClinVar contains an entry for this variant (Variation ID: 1352017). This variant has not been reported in the literature in individuals affected with CLPP-related conditions. This sequence change replaces alanine, which is neutral and non-polar, with threonine, which is neutral and polar, at codon 128 of the CLPP protein (p.Ala128Thr).